The following is an entry in ClinVar:

NM_007294.4(BRCA1):c.1184C>G (p.Ser395Cys)

Gene: BRCA1 (BRCA1 DNA repair associated; minus strand). Cytogenetic location: 17q21.31.
Variant type: single nucleotide variant.
Coding change: c.1184C>G on transcript NM_007294.4 (MANE Select); coding-DNA position 1184, C replaced by G.
Protein change: p.Ser395Cys; replaces serine 395 with cysteine.
Molecular consequence: missense variant. On other transcripts: intron variant (137).
Genome position (GRCh38, 1-based): chr17:43,094,347, G>C on the plus strand (C>G on the coding strand, the complement: BRCA1 is on the minus strand). VCF-style: chr17-43094347-G-C. GRCh37 (hg19) VCF-style: chr17-41246364-G-C.
Other names: c.1106C>G, p.Ser369Cys (NM_001407656.1, NM_001407657.1, NM_001407653.1 and 4 more transcripts); c.1061C>G, p.Ser354Cys (NM_001407667.1, NM_001407669.1, NM_001407668.1 and 19 more transcripts); c.1058C>G, p.Ser353Cys (NM_001407671.1, NM_001407672.1, NM_001407670.1 and 11 more transcripts); c.1043C>G, p.Ser348Cys (NM_001407752.1, NM_001407942.1, NM_001407944.1 and 29 more transcripts); c.1040C>G, p.Ser347Cys (NM_001407838.1, NM_001407839.1, NM_001407841.1 and 20 more transcripts); c.1184C>G, p.Ser395Cys (NM_001407858.1, NM_001407859.1, NM_001407602.1 and 30 more transcripts); c.1181C>G, p.Ser394Cys (NM_001407860.1, NM_001407861.1, NM_001407610.1 and 22 more transcripts); c.983C>G, p.Ser328Cys (NM_001407862.1); and 40 more; short protein forms S267C, S324C, S325C, S392C, S99C, S283C, S347C, S353C.
Identifiers: ClinVar variation 3992617 (VCV003992617.1).
Genomic context (GRCh38, chr17:43,094,347, plus strand): 5'-ACGTCCAATACATCAGCTACTTTGGCATTTGATTCAGACTCCCCATCATGTGAGTCATCA[G>C]AACCTAACAGTTCATCACTTCTGGAAAACCACTCATTAACTTTCTGAATGCTGCTATTTA-3'
Protein context (NP_009225.1, residues 385-405): WFSRSDELLG[Ser395Cys]DDSHDGESES

ClinVar aggregate classification (germline): Uncertain significance (1 of 4 stars; one submission).

Conditions:
Hereditary cancer-predisposing syndrome. Also called: Tumor predisposition; Hereditary neoplastic syndrome; Neoplastic Syndromes, Hereditary; Hereditary Cancer Syndrome. Identifiers: Orphanet 140162, MedGen C0027672, MeSH D009386, MONDO:0015356.

Submission:

Ambry Genetics
Classification: Uncertain significance for Hereditary cancer-predisposing syndrome. Last evaluated: 2025-05-14. Review status: criteria provided, single submitter. Criteria: Ambry Variant Classification Scheme 2023. Collection method: clinical testing. Allele origin: germline.
Comment: The p.S395C variant (also known as c.1184C>G), located in coding exon 9 of the BRCA1 gene, results from a C to G substitution at nucleotide position 1184. The serine at codon 395 is replaced by cysteine, an amino acid with dissimilar properties. This amino acid position is well conserved in available vertebrate species. In addition, this alteration is predicted to be deleterious by in silico analysis. Based on the available evidence, the clinical significance of this variant remains unclear.